The following is an entry in ClinVar:

ClinVar aggregate classification (germline): Uncertain significance (1 of 4 stars; one submission).

Conditions:
Leukocyte adhesion deficiency 3. Also called: INTEGRIN ACTIVATION DEFICIENCY DISEASE; LEUKOCYTE ADHESION DEFICIENCY 1 VARIANT; Leukocyte adhesion deficiency, type III. Identifiers: Orphanet 2968, Orphanet 99844, MedGen C2748536, MONDO:0013016, OMIM 612840.

Allele frequency attached by ClinVar (database versions not stated): gnomAD 0.00001; gnomAD exomes 0.00001 and 0.00002; TOPMed 0.00001; ExAC 0.00002; ESP Exome Variant Server 0.00008.
gnomAD v4.1: 35 of 1,613,976 alleles (0.0022%); highest among the groups gnomAD compares: East Asian, 0.0067%; no homozygotes.

Submission:

Labcorp Genetics (formerly Invitae), Labcorp
Classification: Uncertain significance for Leukocyte adhesion deficiency 3. Last evaluated: 2022-08-23. Review status: criteria provided, single submitter. Criteria: Invitae Variant Classification Sherloc (09022015). Collection method: clinical testing. Allele origin: germline.
Comment: This sequence change replaces serine, which is neutral and polar, with leucine, which is neutral and non-polar, at codon 233 of the FERMT3 protein (p.Ser233Leu). In summary, the available evidence is currently insufficient to determine the role of this variant in disease. Therefore, it has been classified as a Variant of Uncertain Significance. Algorithms developed to predict the effect of missense changes on protein structure and function are either unavailable or do not agree on the potential impact of this missense change (SIFT: "Deleterious"; PolyPhen-2: "Possibly Damaging"; Align-GVGD: "Class C0"). ClinVar contains an entry for this variant (Variation ID: 1462812). This variant has not been reported in the literature in individuals affected with FERMT3-related conditions. This variant is present in population databases (rs140948450, gnomAD 0.006%).

NM_031471.6(FERMT3):c.698C>T (p.Ser233Leu)

Gene: FERMT3 (FERM domain containing kindlin 3; plus strand). Cytogenetic location: 11q13.1.
Variant type: single nucleotide variant.
Coding change: c.698C>T on transcript NM_031471.6 (MANE Select); coding-DNA position 698, C replaced by T.
Protein change: p.Ser233Leu; replaces serine 233 with leucine.
Molecular consequence: missense variant.
Genome position (GRCh38, 1-based): chr11:64,211,659, C>T. VCF-style: chr11-64211659-C-T. GRCh37 (hg19) VCF-style: chr11-63979131-C-T.
Other names: c.698C>T, p.Ser233Leu (NM_001382361.1, NM_001382362.1, NM_001382448.1 and 1 more transcripts); c.158C>T, p.Ser53Leu (NM_001382363.1, NM_001382364.1); short protein forms S53L, S233L.
Identifiers: ClinVar variation 1462812 (VCV001462812.4), dbSNP rs140948450, ClinGen allele CA6068867.